The following is an entry in ClinVar:

ClinVar aggregate classification (germline): Conflicting classifications of pathogenicity. Review status: criteria provided, conflicting classifications (1 of 4 stars). 17 submissions from 15 submitters: Uncertain significance (5); Likely benign (6). 6 of the submissions do not count toward it. Last evaluated 2026-01-19.

Conditions:
Cardiovascular phenotype. Identifiers: MedGen CN230736.
TTN-related disorder. Also called: TTN-related disorders; TTN-related condition; TTN-related disease.
Dilated cardiomyopathy 1G (CMD1G). Identifiers: Orphanet 154, MedGen C1858763, MONDO:0011400, OMIM 604145.
Autosomal recessive limb-girdle muscular dystrophy type 2J (LGMDR10). Also called: Limb-girdle muscular dystrophy, type 2J; MUSCULAR DYSTROPHY, LIMB-GIRDLE, AUTOSOMAL RECESSIVE 10. Identifiers: Orphanet 140922, MedGen C1837342, MONDO:0012127, OMIM 608807.
Cardiomyopathy (CMYO). Also called: Cardiomyopathies. Identifiers: Orphanet 167848, MedGen C0878544, MONDO:0004994, HP:0001638. Inheritance: Various modes of inheritance.
Tibial muscular dystrophy (TMD). Also called: UDD MYOPATHY; Tibial muscular dystrophy, tardive; Udd Distal Myopathy – Tibial Muscular Dystrophy. Identifiers: Orphanet 609, MedGen C1838244, MONDO:0010870, OMIM 600334.

Allele frequency attached by ClinVar (database versions not stated): gnomAD exomes 0.00010 and 0.00012; ExAC 0.00011; gnomAD 0.00013; TOPMed 0.00014; ESP Exome Variant Server 0.00038.
gnomAD v4.1: 191 of 1,613,668 alleles (0.012%); highest among the groups gnomAD compares: Middle Eastern, 0.05%; no homozygotes.

Submissions (17):

Labcorp Genetics (formerly Invitae), Labcorp
Classification: Likely benign for Dilated cardiomyopathy 1G; Autosomal recessive limb-girdle muscular dystrophy type 2J. Last evaluated: 2026-01-19. Review status: criteria provided, single submitter. Criteria: Invitae Variant Classification Sherloc (09022015). Collection method: clinical testing. Allele origin: germline.

CeGaT Center for Human Genetics Tuebingen
Classification: Likely benign. Last evaluated: 2025-09-01. Review status: criteria provided, single submitter. Criteria: CeGaT Center For Human Genetics Tuebingen Variant Classification Criteria Version 2. Collection method: clinical testing. Allele origin: germline. Affected: yes. Observed: 7 variant alleles.
Comment: TTN: BP4

Women's Health and Genetics/Laboratory Corporation of America, LabCorp
Classification: Likely benign. Last evaluated: 2025-04-29. Review status: criteria provided, single submitter. Criteria: LabCorp Variant Classification Summary - May 2015. Collection method: clinical testing. Allele origin: germline.
Comment: Variant summary: TTN c.10115-4G>A alters a non-conserved nucleotide located at a position not widely known to affect splicing. Consensus agreement among computation tools predict no significant impact on normal splicing. However, these predictions have yet to be confirmed by functional studies. The variant allele was found at a frequency of 0.0001 in 249358 control chromosomes, predominantly at a frequency of 0.00013 within the Non-Finnish European subpopulation in the gnomAD database. This frequency is not significantly higher than estimated for a pathogenic variant in TTN causing Autosomal Recessive Titinopathy (0.0001 vs 0.00039), allowing no conclusion about variant significance. c.10115-4G>A has been reported in the presumed heterozygous state in the literature in individuals affected with Cardiomyopathy and sudden unexplained death (SUD) without strong evidence for causality (Campuzano_2015, Lopes_2013). These report(s) do not provide unequivocal conclusions about association of the variant with TTN-related conditions. To our knowledge, no experimental evidence demonstrating an impact on protein function has been reported. ClinVar contains an entry for this variant (Variation ID: 238691). Based on the evidence outlined above, the variant was classified as likely benign.

Blueprint Genetics
Classification: Likely benign. Last evaluated: 2024-08-21. Review status: criteria provided, single submitter. Criteria: ACMG Guidelines, 2015. Collection method: clinical testing. Allele origin: germline.

CHEO Genetics Diagnostic Laboratory, Children's Hospital of Eastern Ontario
Classification: Uncertain significance for Cardiomyopathy. Last evaluated: 2023-03-20. Review status: criteria provided, single submitter. Criteria: ACMG Guidelines, 2015. Collection method: clinical testing. Allele origin: germline.

GeneDx
Classification: Likely benign. Last evaluated: 2021-03-18. Review status: criteria provided, single submitter. Criteria: GeneDx Variant Classification Process June 2021. Collection method: clinical testing. Allele origin: germline. Affected: yes.
Comment: This variant is associated with the following publications: (PMID: 23396983)

Ambry Genetics
Classification: Likely benign for Cardiovascular phenotype. Last evaluated: 2020-02-06. Review status: criteria provided, single submitter. Criteria: Ambry Variant Classification Scheme 2023. Collection method: clinical testing. Allele origin: germline.

Phosphorus, Inc.
Classification: Uncertain significance for Dilated cardiomyopathy 1G. Last evaluated: 2017-08-01. Review status: criteria provided, single submitter. Criteria: ACMG Guidelines, 2015. Collection method: clinical testing. Allele origin: germline. Observed: 1 variant allele.

Phosphorus, Inc.
Classification: Uncertain significance for Autosomal recessive limb-girdle muscular dystrophy type 2J. Last evaluated: 2017-08-01. Review status: criteria provided, single submitter. Criteria: ACMG Guidelines, 2015. Collection method: clinical testing. Allele origin: germline. Observed: 1 variant allele.

Phosphorus, Inc.
Classification: Uncertain significance for Tibial muscular dystrophy. Last evaluated: 2017-08-01. Review status: criteria provided, single submitter. Criteria: ACMG Guidelines, 2015. Collection method: clinical testing. Allele origin: germline. Observed: 1 variant allele.

Eurofins Ntd Llc (ga)
Classification: Uncertain significance. Last evaluated: 2016-12-07. Review status: criteria provided, single submitter. Criteria: EGL Classification Definitions 2015. Collection method: clinical testing. Allele origin: germline. Observed: 4 variant alleles, 4 heterozygotes.

PreventionGenetics, part of Exact Sciences
Classification: Likely benign for TTN-related condition. Last evaluated: 2024-02-01. Review status: no assertion criteria provided. Collection method: clinical testing. Allele origin: germline. Not counted in ClinVar's aggregate classification.
Comment: This variant is classified as likely benign based on ACMG/AMP sequence variant interpretation guidelines (Richards et al. 2015 PMID: 25741868, with internal and published modifications).

Clinical Genetics DNA and cytogenetics Diagnostics Lab, Erasmus MC, Erasmus Medical Center
Classification: Likely benign. Review status: no assertion criteria provided. Collection method: clinical testing. Allele origin: germline. Affected: yes. Study: VKGL Data-share Consensus. Not counted in ClinVar's aggregate classification.

Clinical Genetics, Academic Medical Center
Classification: Benign. Review status: no assertion criteria provided. Collection method: clinical testing. Allele origin: germline. Affected: yes. Study: VKGL Data-share Consensus. Not counted in ClinVar's aggregate classification.

Diagnostic Laboratory, Department of Genetics, University Medical Center Groningen
Classification: Likely benign. Review status: no assertion criteria provided. Collection method: clinical testing. Allele origin: germline. Affected: yes. Study: VKGL Data-share Consensus. Not counted in ClinVar's aggregate classification.

Joint Genome Diagnostic Labs from Nijmegen and Maastricht, Radboudumc and MUMC+
Classification: Likely benign. Review status: no assertion criteria provided. Collection method: clinical testing. Allele origin: germline. Affected: yes. Study: VKGL Data-share Consensus. Not counted in ClinVar's aggregate classification.

Laboratory of Diagnostic Genome Analysis, Leiden University Medical Center (LUMC)
Classification: Likely benign. Review status: no assertion criteria provided. Collection method: clinical testing. Allele origin: germline. Affected: yes. Study: VKGL Data-share Consensus. Not counted in ClinVar's aggregate classification.

Literature cited by the submitters: PubMed 23396983 (cited by 3 submitters); PubMed 26516846 (cited by Women's Health and Genetics/Laboratory Corporation of America, LabCorp).

NM_001267550.2(TTN):c.10115-4G>A

Gene: TTN (titin; minus strand). Cytogenetic location: 2q31.2.
Variant type: single nucleotide variant.
Coding change: c.10115-4G>A on transcript NM_001267550.2 (MANE Select); 4 bases into the intron before coding-DNA position 10115, G replaced by A.
Molecular consequence: intron variant.
Genome position (GRCh38, 1-based): chr2:178,759,176, C>T on the plus strand (G>A on the coding strand, the complement: TTN is on the minus strand). VCF-style: chr2-178759176-C-T. GRCh37 (hg19) VCF-style: chr2-179623903-C-T.
Other names: c.9977-4G>A (NM_003319.4, NM_133437.4, NM_133432.3); c.10115-4G>A (NM_133378.4, NM_001256850.1, NM_133379.5).
Identifiers: ClinVar variation 238691 (VCV000238691.68), dbSNP rs367648529, ClinGen allele CA2004166.